The following is an entry in ClinVar:

NM_005257.6(GATA6):c.868G>A (p.Ala290Thr)

Gene: GATA6 (GATA binding protein 6; plus strand). Cytogenetic location: 18q11.2.
Variant type: single nucleotide variant.
Coding change: c.868G>A on transcript NM_005257.6 (MANE Select); coding-DNA position 868, G replaced by A.
Protein change: p.Ala290Thr; replaces alanine 290 with threonine.
Molecular consequence: missense variant.
Genome position (GRCh38, 1-based): chr18:22,172,012, G>A. VCF-style: chr18-22172012-G-A. GRCh37 (hg19) VCF-style: chr18-19751973-G-A.
Other names: short protein forms A290T.
Identifiers: ClinVar variation 1430608 (VCV001430608.8), dbSNP rs2033058388, ClinGen allele CA401801176.

ClinVar aggregate classification (germline): Uncertain significance (1 of 4 stars; one submission).

Conditions:
Atrioventricular septal defect 5 (AVSD5). Identifiers: MedGen C3280939, MONDO:0013769, OMIM 614474.

Submission:

Labcorp Genetics (formerly Invitae), Labcorp
Classification: Uncertain significance for Atrioventricular septal defect 5. Last evaluated: 2024-07-21. Review status: criteria provided, single submitter. Criteria: Invitae Variant Classification Sherloc (09022015). Collection method: clinical testing. Allele origin: germline.
Comment: This sequence change replaces alanine, which is neutral and non-polar, with threonine, which is neutral and polar, at codon 290 of the GATA6 protein (p.Ala290Thr). This variant is not present in population databases (gnomAD no frequency). This variant has not been reported in the literature in individuals affected with GATA6-related conditions. ClinVar contains an entry for this variant (Variation ID: 1430608). Advanced modeling of protein sequence and biophysical properties (such as structural, functional, and spatial information, amino acid conservation, physicochemical variation, residue mobility, and thermodynamic stability) performed at Invitae indicates that this missense variant is not expected to disrupt GATA6 protein function with a negative predictive value of 80%. In summary, the available evidence is currently insufficient to determine the role of this variant in disease. Therefore, it has been classified as a Variant of Uncertain Significance.